The following is an entry in ClinVar:

NM_000059.4(BRCA2):c.5595A>G (p.Ile1865Met)

Gene: BRCA2 (BRCA2 DNA repair associated; plus strand). Cytogenetic location: 13q13.1.
Variant type: single nucleotide variant.
Coding change: c.5595A>G on transcript NM_000059.4 (MANE Select); coding-DNA position 5595, A replaced by G.
Protein change: p.Ile1865Met; replaces isoleucine 1865 with methionine.
Molecular consequence: missense variant.
Genome position (GRCh38, 1-based): chr13:32,339,950, A>G. VCF-style: chr13-32339950-A-G. GRCh37 (hg19) VCF-style: chr13-32914087-A-G.
Other names: short protein forms I1865M.
Identifiers: ClinVar variation 923256 (VCV000923256.6), dbSNP rs2072532958, ClinGen allele CA387786049.

ClinVar aggregate classification (germline): Conflicting classifications of pathogenicity. Review status: criteria provided, conflicting classifications (1 of 4 stars). 2 submissions from 2 submitters: Uncertain significance (1); Likely benign (1). Last evaluated 2023-12-04.

Conditions:
Hereditary cancer-predisposing syndrome. Also called: Neoplastic Syndromes, Hereditary; Tumor predisposition; Hereditary Cancer Syndrome; Hereditary neoplastic syndrome. Identifiers: Orphanet 140162, MedGen C0027672, MeSH D009386, MONDO:0015356.

Submissions (2):

Color Diagnostics, LLC DBA Color Health
Classification: Uncertain significance for Hereditary cancer-predisposing syndrome. Last evaluated: 2023-12-04. Review status: criteria provided, single submitter. Criteria: ACMG Guidelines, 2015. Collection method: clinical testing. Allele origin: germline.
Comment: This missense variant replaces isoleucine with methionine at codon 1865 of the BRCA2 protein. Computational prediction suggests that this variant may not impact protein structure and function (internally defined REVEL score threshold <= 0.5, PMID: 27666373). To our knowledge, functional studies have not been reported for this variant. This variant has not been reported in individuals affected with BRCA2-related disorders in the literature. This variant has not been identified in the general population by the Genome Aggregation Database (gnomAD). The available evidence is insufficient to determine the role of this variant in disease conclusively. Therefore, this variant is classified as a Variant of Uncertain Significance.

University of Washington Department of Laboratory Medicine, University of Washington
Classification: Likely benign for Hereditary cancer-predisposing syndrome. Last evaluated: 2023-03-23. Review status: criteria provided, single submitter. Criteria: Dines et al. (Genet Med. 2020). Collection method: curation. Allele origin: germline.
Comment: Missense variant in a coldspot region where missense variants are very unlikely to be pathogenic (PMID:31911673).

BRCA2 exon 11 coldspot. Reclassification based on statistical prior probability.